The following is an entry in ClinVar:

ClinVar aggregate classification (germline): Benign/Likely benign. Review status: criteria provided, multiple submitters, no conflicts (2 of 4 stars). 7 submissions from 7 submitters: Benign (6); Likely benign (1). Last evaluated 2026-02-04.

Conditions:
Primary ciliary dyskinesia 21. Also called: CILIARY DYSKINESIA, PRIMARY, 21, WITHOUT SITUS INVERSUS. Identifiers: Orphanet 244, MedGen C3809087, MONDO:0014123, OMIM 615294.
Primary ciliary dyskinesia. Also called: Ciliary dyskinesia. Identifiers: Orphanet 244, MedGen C0008780, MONDO:0016575, HP:0012265.

Allele frequency attached by ClinVar (database versions not stated): ESP Exome Variant Server 0.12525; TOPMed 0.13520; gnomAD 0.14109 and 0.14475; 1000 Genomes Project 30x 0.15443; 1000 Genomes Project 0.16114; gnomAD exomes 0.17198 and 0.18966; ExAC 0.18402.
gnomAD v4.1: 273,783 of 1,614,000 alleles (17%); highest among the groups gnomAD compares: Admixed American, 21%; 24,958 homozygotes.

Submissions (7):

Labcorp Genetics (formerly Invitae), Labcorp
Classification: Benign for Primary ciliary dyskinesia. Last evaluated: 2026-02-04. Review status: criteria provided, single submitter. Criteria: Invitae Variant Classification Sherloc (09022015). Collection method: clinical testing. Allele origin: germline.

Blueprint Genetics
Classification: Likely benign. Last evaluated: 2024-11-26. Review status: criteria provided, single submitter. Criteria: ACMG Guidelines, 2015. Collection method: clinical testing. Allele origin: germline.

Mayo Clinic Laboratories, Mayo Clinic
Classification: Benign. Last evaluated: 2022-04-26. Review status: criteria provided, single submitter. Criteria: ACMG Guidelines, 2015. Collection method: clinical testing. Allele origin: germline. Observed: 66 variant alleles.

Genome-Nilou Lab
Classification: Benign for Primary ciliary dyskinesia 21. Last evaluated: 2021-07-30. Review status: criteria provided, single submitter. Criteria: ACMG Guidelines, 2015. Collection method: clinical testing. Allele origin: germline. Affected: no.

GeneDx
Classification: Benign. Last evaluated: 2018-07-09. Review status: criteria provided, single submitter. Criteria: GeneDx Variant Classification Process June 2021. Collection method: clinical testing. Allele origin: germline. Affected: yes.

Laboratory for Molecular Medicine, Mass General Brigham Personalized Medicine
Classification: Benign. Last evaluated: 2016-03-29. Review status: criteria provided, single submitter. Criteria: LMM Criteria. Collection method: clinical testing. Allele origin: germline.
Comment: Variant identified in a genome or exome case(s) and assessed due to predicted null impact of the variant or pathogenic assertions in the literature or databases. Disclaimer: This variant has not undergone full assessment. The following are preliminary notes: Frequency

Breakthrough Genomics
Classification: Benign. Review status: criteria provided, single submitter. Criteria: ACMG Guidelines, 2015. Collection method: not provided. Allele origin: germline. Inheritance: Autosomal recessive inheritance. Affected: yes.

NM_145038.5(DRC1):c.1069A>G (p.Lys357Glu)

Gene: DRC1 (dynein regulatory complex subunit 1; plus strand). Cytogenetic location: 2p23.3.
Variant type: single nucleotide variant.
Coding change: c.1069A>G on transcript NM_145038.5 (MANE Select); coding-DNA position 1069, A replaced by G.
Protein change: p.Lys357Glu; replaces lysine 357 with glutamic acid.
Molecular consequence: missense variant.
Genome position (GRCh38, 1-based): chr2:26,444,262, A>G. VCF-style: chr2-26444262-A-G. GRCh37 (hg19) VCF-style: chr2-26667130-A-G.
Other names: short protein forms K357E.
Identifiers: ClinVar variation 402796 (VCV000402796.22), dbSNP rs3795958, ClinGen allele CA1562130.